The following is an entry in ClinVar:

ClinVar aggregate classification (germline): Pathogenic. Review status: reviewed by expert panel (3 of 4 stars). 6 submissions from 6 submitters: Pathogenic (1). 5 of the submissions do not count toward it. Last evaluated 2016-09-08.

Conditions:
Hereditary cancer-predisposing syndrome. Also called: Hereditary Cancer Syndrome; Hereditary neoplastic syndrome; Neoplastic Syndromes, Hereditary; Tumor predisposition. Identifiers: Orphanet 140162, MedGen C0027672, MeSH D009386, MONDO:0015356.
Breast-ovarian cancer, familial, susceptibility to, 1 (BROVCA1). Also called: BRCA1 Hereditary Breast and Ovarian Cancer; OVARIAN CANCER, SUSCEPTIBILITY TO. Identifiers: Orphanet 145, MedGen C2676676, MONDO:0011450, OMIM 604370. Disease mechanism: loss of function.
Hereditary breast ovarian cancer syndrome. Also called: BRCA1- and BRCA2-Associated Hereditary Breast and Ovarian Cancer; Hereditary breast and ovarian cancer syndrome; Hereditary breast and ovarian cancer syndrome (HBOC); Breast and ovarian cancer; Hereditary breast and/or ovarian cancer syndrome; Hereditary breast and ovarian cancer. Identifiers: Orphanet 145, MedGen C0677776, MeSH D061325, MONDO:0003582. Disease mechanism: loss of function.

Submissions (6):

Evidence-based Network for the Interpretation of Germline Mutant Alleles (ENIGMA)
Classification: Pathogenic for Breast-ovarian cancer, familial, susceptibility to, 1. Last evaluated: 2016-09-08. Review status: reviewed by expert panel. Criteria: ENIGMA BRCA1/2 Classification Criteria (2015). Collection method: curation. Allele origin: germline.
Comment: Variant allele predicted to encode a truncated non-functional protein.

Ambry Genetics
Classification: Pathogenic for Hereditary cancer-predisposing syndrome. Last evaluated: 2026-02-17. Review status: criteria provided, single submitter. Criteria: Ambry Variant Classification Scheme 2023. Collection method: clinical testing. Allele origin: germline. Not counted in ClinVar's aggregate classification.
Comment: The c.4941delC pathogenic mutation, located in coding exon 14 of the BRCA1 gene, results from a deletion of one nucleotide at nucleotide position 4941, causing a translational frameshift with a predicted alternate stop codon (p.N1647Kfs*11). This variant is considered to be rare based on population cohorts in the Genome Aggregation Database (gnomAD). This alteration is expected to result in loss of function by premature protein truncation or nonsense-mediated mRNA decay. As such, this alteration is interpreted as a disease-causing mutation.

Labcorp Genetics (formerly Invitae), Labcorp
Classification: Pathogenic for Hereditary breast ovarian cancer syndrome. Last evaluated: 2022-03-08. Review status: criteria provided, single submitter. Criteria: Invitae Variant Classification Sherloc (09022015). Collection method: clinical testing. Allele origin: germline. Not counted in ClinVar's aggregate classification.
Comment: For these reasons, this variant has been classified as Pathogenic. ClinVar contains an entry for this variant (Variation ID: 55326). This premature translational stop signal has been observed in individual(s) with unknown clinical presentation that formed part of a large breast/ovarian cancer study (PROSE consortium) (PMID: 10923033, 20104584, 22430266). This variant is not present in population databases (gnomAD no frequency). This sequence change creates a premature translational stop signal (p.Asn1647Lysfs*11) in the BRCA1 gene. It is expected to result in an absent or disrupted protein product. Loss-of-function variants in BRCA1 are known to be pathogenic (PMID: 20104584).

Color Diagnostics, LLC DBA Color Health
Classification: Pathogenic for Hereditary cancer-predisposing syndrome. Last evaluated: 2020-01-15. Review status: criteria provided, single submitter. Criteria: ACMG Guidelines, 2015. Collection method: clinical testing. Allele origin: germline. Not counted in ClinVar's aggregate classification.
Comment: This variant deletes 1 nucleotide in exon 15 of the BRCA1 gene, creating a frameshift and premature translation stop signal. This variant is expected to result in an absent or non-functional protein product. This variant has not been identified in the general population by the Genome Aggregation Database (gnomAD). Loss of BRCA1 function is a known mechanism of disease. Based on the available evidence, this variant is classified as Pathogenic.

Consortium of Investigators of Modifiers of BRCA1/2 (CIMBA), c/o University of Cambridge
Classification: Pathogenic for Breast-ovarian cancer, familial, susceptibility to, 1. Last evaluated: 2015-10-02. Review status: criteria provided, single submitter. Criteria: CIMBA Mutation Classification guidelines May 2016. Collection method: clinical testing. Allele origin: germline. Not counted in ClinVar's aggregate classification.

Breast Cancer Information Core (BIC) (BRCA1)
Classification: Pathogenic for Breast-ovarian cancer, familial 1. Last evaluated: 2004-02-20. Review status: no assertion criteria provided. Collection method: clinical testing. Allele origin: germline. Affected: yes. Observed: 1 variant allele. Not counted in ClinVar's aggregate classification.

Literature cited by the submitters: PubMed 10923033 (cited by Labcorp Genetics (formerly Invitae), Labcorp); PubMed 20104584 (cited by Labcorp Genetics (formerly Invitae), Labcorp); PubMed 22430266 (cited by Labcorp Genetics (formerly Invitae), Labcorp).

NM_007294.4(BRCA1):c.4941del (p.Asn1647fs)

Gene: BRCA1 (BRCA1 DNA repair associated; minus strand). Cytogenetic location: 17q21.31.
Variant type: Deletion.
Coding change: c.4941del on transcript NM_007294.4 (MANE Select); coding-DNA position 4941, one base deleted (C; older notation c.4941delC).
Protein change: p.Asn1647fs; shifts the reading frame from asparagine 1647.
Molecular consequence: frameshift variant. On other transcripts: non-coding transcript variant (1).
Genome position (GRCh38, 1-based): chr17:43,070,973, G deleted on the plus strand (C on the coding strand, the reverse complement: BRCA1 is on the minus strand). VCF-style (leftmost placement, unchanged base first): chr17-43070972-TG-T. GRCh37 (hg19) VCF-style: chr17-41222989-TG-T.
Other names: 5060delC; c.4674delC, p.Asn1558Lysfs (NM_001407928.1, NM_001407929.1, NM_001407930.1 and 4 more transcripts); c.4671delC, p.Asn1557Lysfs (NM_001407934.1, NM_001407935.1, NM_001407936.1); c.4818delC, p.Asn1606Lysfs (NM_001407937.1, NM_001407938.1, NM_001407664.1 and 6 more transcripts); c.4815delC, p.Asn1605Lysfs (NM_001407939.1, NM_001407940.1, NM_001407670.1 and 11 more transcripts); c.4812delC, p.Asn1604Lysfs (NM_001407941.1, NM_001407681.1, NM_001407682.1 and 6 more transcripts); c.4800delC, p.Asn1600Lysfs (NM_001407942.1, NM_001407692.1, NM_001407694.1 and 12 more transcripts); c.4797delC, p.Asn1599Lysfs (NM_001407943.1, NM_001407944.1, NM_001407945.1 and 21 more transcripts); and 74 more; short protein forms N1647fs, N1600fs, N543fs, N1668fs.
Identifiers: ClinVar variation 55326 (VCV000055326.15), dbSNP rs80357905, ClinGen allele CA003093.